The following is an entry in ClinVar:

NM_005359.6(SMAD4):c.90A>G (p.Gly30=)

Gene: SMAD4 (SMAD family member 4; plus strand). Cytogenetic location: 18q21.2.
Variant type: single nucleotide variant.
Coding change: c.90A>G on transcript NM_005359.6 (MANE Select); coding-DNA position 90, A replaced by G.
Protein change: p.Gly30=; no amino-acid change (glycine 30 retained).
Molecular consequence: synonymous variant.
Genome position (GRCh38, 1-based): chr18:51,047,136, A>G. VCF-style: chr18-51047136-A-G. GRCh37 (hg19) VCF-style: chr18-48573506-A-G.
Identifiers: ClinVar variation 233358 (VCV000233358.11), dbSNP rs876660353, ClinGen allele CA10580971.
Genomic context (GRCh38, chr18:51,047,136, plus strand): 5'-AACAAGTAATGATGCCTGTCTGAGCATTGTGCATAGTTTGATGTGCCATAGACAAGGTGG[A>G]GAGAGTGAAACATTTGCAAAAAGAGCAATTGAAAGTTTGGTAAAGAAGCTGAAGGAGAAA-3'
Protein context (NP_005350.1, residues 20-40): VHSLMCHRQG[Gly30=]ESETFAKRAI

ClinVar aggregate classification (germline): Benign/Likely benign. Review status: criteria provided, multiple submitters, no conflicts (2 of 4 stars). 3 submissions from 3 submitters: Benign (1); Likely benign (2). Last evaluated 2025-08-18.

Conditions:
Juvenile polyposis syndrome (JPS). Identifiers: Orphanet 2929, MedGen C0345893, MONDO:0017380, OMIM 174900.
Familial thoracic aortic aneurysm and aortic dissection (TAAD). Also called: Thoracic aortic aneurysms and dissections. Identifiers: Orphanet 91387, MedGen C4707243, MONDO:0019625.
Hereditary cancer-predisposing syndrome. Also called: Tumor predisposition; Neoplastic Syndromes, Hereditary; Hereditary neoplastic syndrome; Hereditary Cancer Syndrome. Identifiers: Orphanet 140162, MedGen C0027672, MeSH D009386, MONDO:0015356.
Juvenile polyposis/hereditary hemorrhagic telangiectasia syndrome (JPHT). Also called: Juvenile Polyposis Syndrome / Hereditary Hemorrhagic Telangiectasia (JPS/HHT); JP/HHT SYNDROME; JUVENILE POLYPOSIS WITH HEREDITARY HEMORRHAGIC TELANGIECTASIA; POLYPOSIS, GENERALIZED JUVENILE, WITH PULMONARY ARTERIOVENOUS MALFORMATION; TELANGIECTASIA, HEREDITARY HEMORRHAGIC, WITH JUVENILE POLYPOSIS COLI. Identifiers: Orphanet 2929, MedGen C1832942, MONDO:0008278, OMIM 175050.

Submissions (3):

Labcorp Genetics (formerly Invitae), Labcorp
Classification: Likely benign for Juvenile polyposis syndrome. Last evaluated: 2025-08-18. Review status: criteria provided, single submitter. Criteria: Invitae Variant Classification Sherloc (09022015). Collection method: clinical testing. Allele origin: germline.

Myriad Genetics, Inc.
Classification: Benign for Juvenile polyposis/hereditary hemorrhagic telangiectasia syndrome. Last evaluated: 2025-03-18. Review status: criteria provided, single submitter. Criteria: Myriad Autosomal Dominant, Autosomal Recessive and X-Linked Classification Criteria (2023). Collection method: clinical testing. Allele origin: unknown.
Comment: This variant is considered benign. This variant is a silent/synonymous amino acid change and it is not expected to impact splicing.

Ambry Genetics
Classification: Likely benign for Hereditary cancer-predisposing syndrome; Familial thoracic aortic aneurysm and aortic dissection. Last evaluated: 2015-08-13. Review status: criteria provided, single submitter. Criteria: Ambry Variant Classification Scheme 2023. Collection method: clinical testing. Allele origin: germline.